The following is an entry in ClinVar:

ClinVar aggregate classification (germline): Likely pathogenic (1 of 4 stars; one submission).

Conditions:
alpha Thalassemia. Also called: Alpha thalassemia spectrum. Identifiers: Orphanet 846, MedGen C0002312, MONDO:0011399, OMIM 604131.

Submission:

Natera, Inc.
Classification: Likely pathogenic for Alpha thalassemia. Last evaluated: 2025-09-14. Review status: criteria provided, single submitter. Criteria: Natera Variant Classification Schema (03/2026). Collection method: clinical testing. Allele origin: germline.
Comment: The c.96-45_109del variant in HBA2 is a frameshift variant predicted to shift the reading frame and introduce a stop codon. This variant is expected to result in nonsense mediated decay, truncation, or a dysfunctional protein product. This variant is rare in the general population with a frequency below the threshold expected for the associated phenotype(s). Given the available evidence, this variant is classified as Likely Pathogenic.

NM_000517.6(HBA2):c.96-45_109del

Genes: HBA2 (hemoglobin subunit alpha 2; plus strand), LOC106804612 (hemoglobin subunit alpha 2 recombination region; plus strand). Cytogenetic location: 16p13.3.
Variant type: Deletion.
Coding change: c.96-45_109del on transcript NM_000517.6 (MANE Select); 45 bases into the intron before coding-DNA position 96 through coding-DNA position 109, 59 bases deleted.
Molecular consequence: splice acceptor variant.
Genome position (GRCh38, 1-based): chr16:173,080-173,138, 59 bases deleted. GRCh37 (hg19): chr16:223,079-223,137.
Identifiers: ClinVar variation 4818692 (VCV004818692.1).